The following is an entry in ClinVar:

ClinVar aggregate classification (germline): Conflicting classifications of pathogenicity. Review status: criteria provided, conflicting classifications (1 of 4 stars). 2 submissions from 2 submitters: Uncertain significance (1); Likely benign (1). Last evaluated 2023-03-16.

Conditions:
Inborn genetic diseases. Identifiers: MedGen C0950123, MeSH D030342.
Focal segmental glomerulosclerosis 5 (FSGS5). Identifiers: Orphanet 656, MedGen C2750475, MONDO:0013191, OMIM 613237.
Charcot-Marie-Tooth disease dominant intermediate E. Also called: CHARCOT-MARIE-TOOTH NEUROPATHY WITH FOCAL SEGMENTAL GLOMERULONEPHRITIS. Identifiers: Orphanet 93114, MedGen C4302667, MONDO:0013758, OMIM 614455.

Allele frequency attached by ClinVar (database versions not stated): gnomAD 0.00004; gnomAD exomes 0.00004; ExAC 0.00005.

Submissions (2):

Labcorp Genetics (formerly Invitae), Labcorp
Classification: Likely benign for Charcot-Marie-Tooth disease dominant intermediate E; Focal segmental glomerulosclerosis 5. Last evaluated: 2023-03-16. Review status: criteria provided, single submitter. Criteria: Invitae Variant Classification Sherloc (09022015). Collection method: clinical testing. Allele origin: germline.

Ambry Genetics
Classification: Uncertain significance for Inborn genetic diseases. Last evaluated: 2020-11-20. Review status: criteria provided, single submitter. Criteria: Ambry Variant Classification Scheme 2023. Collection method: clinical testing. Allele origin: germline.
Comment: The p.R306H variant (also known as c.917G>A), located in coding exon 6 of the INF2 gene, results from a G to A substitution at nucleotide position 917. The arginine at codon 306 is replaced by histidine, an amino acid with highly similar properties. This amino acid position is not well conserved in available vertebrate species, and histidine is the reference amino acid in other vertebrate species. In addition, this alteration is predicted to be tolerated by in silico analysis. Since supporting evidence is limited at this time, the clinical significance of this alteration remains unclear.

NM_022489.4(INF2):c.917G>A (p.Arg306His)

Gene: INF2 (inverted formin 2; plus strand). Cytogenetic location: 14q32.33.
Variant type: single nucleotide variant.
Coding change: c.917G>A on transcript NM_022489.4 (MANE Select); coding-DNA position 917, G replaced by A.
Protein change: p.Arg306His; replaces arginine 306 with histidine.
Molecular consequence: missense variant.
Genome position (GRCh38, 1-based): chr14:104,706,983, G>A. VCF-style: chr14-104706983-G-A. GRCh37 (hg19) VCF-style: chr14-105173320-G-A.
Other names: c.917G>A, p.Arg306His (NM_001031714.4); short protein forms R306H.
Identifiers: ClinVar variation 1766075 (VCV001766075.5), dbSNP rs777010216, ClinGen allele CA7372465.